The following is an entry in ClinVar:

ClinVar aggregate classification (germline): Pathogenic/Likely pathogenic. Review status: criteria provided, multiple submitters, no conflicts (2 of 4 stars). 3 submissions from 3 submitters: Pathogenic (1); Likely pathogenic (1). 1 of the submissions does not count toward it. Last evaluated 2025-08-26.

Conditions:
Severe early-childhood-onset retinal dystrophy (STGD1). Also called: STGD; Stargardt macular dystrophy; Juvenile onset macular degeneration; Stargardt disease 1; MACULAR DYSTROPHY WITH FLECKS, TYPE 1. Identifiers: Orphanet 364055, Orphanet 827, MedGen C1855465, MeSH D000080362, MONDO:0009549, OMIM 248200.

Submissions (3):

GeneDx
Classification: Likely pathogenic. Last evaluated: 2025-08-26. Review status: criteria provided, single submitter. Criteria: GeneDx Variant Classification Process June 2021. Collection method: clinical testing. Allele origin: germline. Affected: yes.
Comment: RNA studies demonstrate a damaging effect as this variant is predicted to result in a premature stop codon (PMID: 31397521); No data available from control populations to assess the frequency of this variant; This variant is associated with the following publications: (PMID: 32307445, 35120629, 25082829, 39162841, 38347443, 33924840, 31397521)

Labcorp Genetics (formerly Invitae), Labcorp
Classification: Pathogenic. Last evaluated: 2025-05-27. Review status: criteria provided, single submitter. Criteria: Invitae Variant Classification Sherloc (09022015). Collection method: clinical testing. Allele origin: germline.
Comment: This sequence change falls in intron 29 of the ABCA4 gene. It does not directly change the encoded amino acid sequence of the ABCA4 protein. This variant is not present in population databases (gnomAD no frequency). This variant has been observed in individual(s) with cone rod dystrophy, retinitis pigmentosa, and/or Stargardt disease (PMID: 31397521; internal data). In at least one individual the data is consistent with being in trans (on the opposite chromosome) from a pathogenic variant. ClinVar contains an entry for this variant (Variation ID: 1482377). Studies have shown that this variant alters mRNA splicing and is expected to lead to the loss of protein expression (PMID: 31397521, 33924840). For these reasons, this variant has been classified as Pathogenic.

Ophthalmo-Genetics Lab, Instituto de Oftalmologia Conde de Valenciana
Classification: Pathogenic for Severe early-childhood-onset retinal dystrophy. Review status: no assertion criteria provided. Collection method: research. Allele origin: germline. Inheritance: Autosomal recessive inheritance. Affected: yes. Not counted in ClinVar's aggregate classification.

Literature cited by the submitters: PubMed 31397521 (cited by Labcorp Genetics (formerly Invitae), Labcorp and Ophthalmo-Genetics Lab, Instituto de Oftalmologia Conde de Valenciana); PubMed 33924840 (cited by Labcorp Genetics (formerly Invitae), Labcorp).

NM_000350.3(ABCA4):c.4352+61G>A

Gene: ABCA4 (ATP binding cassette subfamily A member 4; minus strand). Cytogenetic location: 1p22.1.
Variant type: single nucleotide variant.
Coding change: c.4352+61G>A on transcript NM_000350.3 (MANE Select); 61 bases into the intron after coding-DNA position 4352, G replaced by A.
Molecular consequence: intron variant.
Genome position (GRCh38, 1-based): chr1:94,030,367, C>T on the plus strand (G>A on the coding strand, the complement: ABCA4 is on the minus strand). VCF-style: chr1-94030367-C-T. GRCh37 (hg19) VCF-style: chr1-94495923-C-T.
Identifiers: ClinVar variation 1482377 (VCV001482377.8), dbSNP rs1478038032, ClinGen allele CA1139769810.
Genomic context (GRCh38, chr1:94,030,367, plus strand): 5'-ATGGAAGTGACCAGCAGAGCAGGATTGAGTGGGGCCTCCCCAACGCCTGCCATCTTGAAC[C>T]CACCGTTGGGTCCTCCCAGGGGAGCTAGTCTTCTTAGGACAGGGGCGCGTAGGCACTTAC-3'